The following is an entry in ClinVar:

NM_005751.5(AKAP9):c.9344A>T (p.Glu3115Val)

Gene: AKAP9 (A-kinase anchoring protein 9; plus strand). Cytogenetic location: 7q21.2.
Variant type: single nucleotide variant.
Coding change: c.9344A>T on transcript NM_005751.5 (MANE Select); coding-DNA position 9344, A replaced by T.
Protein change: p.Glu3115Val; replaces glutamic acid 3115 with valine.
Molecular consequence: missense variant.
Genome position (GRCh38, 1-based): chr7:92,089,515, A>T. VCF-style: chr7-92089515-A-T. GRCh37 (hg19) VCF-style: chr7-91718829-A-T.
Other names: c.3989A>T, p.Glu1330Val (NM_001379277.1); c.9320A>T, p.Glu3107Val (NM_147185.3); short protein forms E3115V, E3107V, E1330V.
Identifiers: ClinVar variation 4780143 (VCV004780143.1).

ClinVar aggregate classification (germline): Uncertain significance (1 of 4 stars; one submission).

Conditions:
Long QT syndrome (LQTS). Identifiers: MedGen C0023976, MeSH D008133, MONDO:0002442. Disease mechanism: loss of function. Inheritance: Various modes of inheritance.

Submission:

Labcorp Genetics (formerly Invitae), Labcorp
Classification: Uncertain significance for Long QT syndrome. Last evaluated: 2025-06-25. Review status: criteria provided, single submitter. Criteria: Invitae Variant Classification Sherloc (09022015). Collection method: clinical testing. Allele origin: germline.
Comment: This sequence change replaces glutamic acid, which is acidic and polar, with valine, which is neutral and non-polar, at codon 3115 of the AKAP9 protein (p.Glu3115Val). This variant is not present in population databases (gnomAD no frequency). This variant has not been reported in the literature in individuals affected with AKAP9-related conditions. An algorithm developed to predict the effect of missense changes on protein structure and function (PolyPhen-2) suggests that this variant is likely to be tolerated. In summary, the available evidence is currently insufficient to determine the role of this variant in disease. Therefore, it has been classified as a Variant of Uncertain Significance.